The following is an entry in ClinVar:

ClinVar aggregate classification (germline): Uncertain significance (1 of 4 stars; one submission).

Conditions:
MKKS-related disorder. Also called: MKKS-related disorders; MKKS-related condition.

gnomAD v4.1: 7 of 1,614,108 alleles (0.00043%); highest among the groups gnomAD compares: East Asian, 0.0022%; no homozygotes.

Submission:

PreventionGenetics, part of Exact Sciences
Classification: Uncertain significance for MKKS-related condition. Last evaluated: 2025-10-11. Review status: criteria provided, single submitter. Criteria: ACMG Guidelines, 2015. Collection method: clinical testing. Allele origin: germline.
Comment: The MKKS c.328G>A variant is predicted to result in the amino acid substitution p.Gly110Ser. To our knowledge, this variant has not been reported in the literature or in a large population database (gnomAD), indicating this variant is rare. At this time, the clinical significance of this variant is uncertain due to the absence of conclusive functional and genetic evidence.

NM_170784.3(MKKS):c.328G>A (p.Gly110Ser)

Gene: MKKS (MKKS centrosomal shuttling protein; minus strand). Cytogenetic location: 20p12.2.
Variant type: single nucleotide variant.
Coding change: c.328G>A on transcript NM_170784.3 (MANE Select); coding-DNA position 328, G replaced by A.
Protein change: p.Gly110Ser; replaces glycine 110 with serine.
Molecular consequence: missense variant.
Genome position (GRCh38, 1-based): chr20:10,413,187, C>T on the plus strand (G>A on the coding strand, the complement: MKKS is on the minus strand). VCF-style: chr20-10413187-C-T. GRCh37 (hg19) VCF-style: chr20-10393835-C-T.
Other names: c.328G>A, p.Gly110Ser (NM_018848.3); short protein forms G110S.
Identifiers: ClinVar variation 4985026 (VCV004985026.1).